The following is an entry in ClinVar:

ClinVar aggregate classification (germline): Likely pathogenic (1 of 4 stars; one submission).

Submission:

Mayo Clinic Laboratories, Mayo Clinic
Classification: Likely pathogenic. Last evaluated: 2022-04-18. Review status: criteria provided, single submitter. Criteria: ACMG Guidelines, 2015. Collection method: clinical testing. Allele origin: germline. Observed: 1 variant allele.
Comment: PM2, PVS1

NM_001166114.2(PNPLA6):c.2936+2T>G

Gene: PNPLA6 (patatin like domain 6, lysophospholipase; plus strand). Cytogenetic location: 19p13.2.
Variant type: single nucleotide variant.
Coding change: c.2936+2T>G on transcript NM_001166114.2 (MANE Select); the canonical splice donor site of the intron after coding-DNA position 2936, T replaced by G.
Molecular consequence: splice donor variant.
Genome position (GRCh38, 1-based): chr19:7,555,369, T>G. VCF-style: chr19-7555369-T-G. GRCh37 (hg19) VCF-style: chr19-7620255-T-G.
Other names: c.2822+2T>G (NM_006702.5, NM_001166113.1); c.2741+2T>G (NM_001166112.2); c.2966+2T>G (NM_001166111.2).
Identifiers: ClinVar variation 2683056 (VCV002683056.1), dbSNP rs1382898672, ClinGen allele CA403131049.
Genomic context (GRCh38, chr19:7,555,369, plus strand): 5'-TTGGCGAGGGTGCTCACGGGGAACACCATTGCCCTTGTGCTAGGCGGGGGCGGGGCCAGG[T>G]GAGGGCGGGGCTTGCTCTCTGGGGGCGGGGCCTGGATGTCCGAGGGTGGAGCTTCCTGGG-3'